The following is an entry in ClinVar:

ClinVar aggregate classification (germline): Uncertain significance (1 of 4 stars; one submission).

Conditions:
SCLT1-related disorder. Also called: SCLT1-related condition.

gnomAD v4.1: 2 of 1,611,304 alleles (0.00012%); highest among the groups gnomAD compares: Non-Finnish European, 0.00017%; no homozygotes.

Submission:

PreventionGenetics, part of Exact Sciences
Classification: Uncertain significance for SCLT1-related condition. Last evaluated: 2025-11-06. Review status: criteria provided, single submitter. Criteria: ACMG Guidelines, 2015. Collection method: clinical testing. Allele origin: germline.
Comment: The SCLT1 c.335C>A variant is predicted to result in the amino acid substitution p.Ala112Asp. This variant was reported in an individual in a developmental disorder cohort study and an autism cohort study (Supplemental Table 1, Kaplanis et al. 2020. PubMed ID: 33057194; Supplemental Table 3, Zhou et al. 2022. PubMed ID: 35982159). This variant has not been reported in a large population database (gnomAD), indicating this variant is rare. At this time, the clinical significance of this variant is uncertain due to the absence of conclusive functional and genetic evidence.

NM_144643.4(SCLT1):c.335C>A (p.Ala112Asp)

Gene: SCLT1 (sodium channel and clathrin linker 1; minus strand). Cytogenetic location: 4q28.2.
Variant type: single nucleotide variant.
Coding change: c.335C>A on transcript NM_144643.4 (MANE Select); coding-DNA position 335, C replaced by A.
Protein change: p.Ala112Asp; replaces alanine 112 with aspartic acid.
Molecular consequence: missense variant.
Genome position (GRCh38, 1-based): chr4:129,003,832, G>T on the plus strand (C>A on the coding strand, the complement: SCLT1 is on the minus strand). VCF-style: chr4-129003832-G-T. GRCh37 (hg19) VCF-style: chr4-129924987-G-T.
Other names: c.335C>A, p.Ala112Asp (NM_001410807.1); short protein forms A112D.
Identifiers: ClinVar variation 4978578 (VCV004978578.1).